The following is an entry in ClinVar:

ClinVar aggregate classification (germline): Likely pathogenic (1 of 4 stars; one submission).

Conditions:
Catecholaminergic polymorphic ventricular tachycardia 1. Also called: VENTRICULAR TACHYCARDIA, STRESS-INDUCED POLYMORPHIC 1; RYR2-Related Catecholaminergic Polymorphic Ventricular Tachycardia; VENTRICULAR TACHYCARDIA, CATECHOLAMINERGIC POLYMORPHIC, 1, WITH OR WITHOUT ATRIAL DYSFUNCTION AND/OR DILATED CARDIOMYOPATHY. Identifiers: Orphanet 3286, MedGen C1631597, MONDO:0011484, OMIM 604772.

gnomAD v4.1: 1 of 1,284,944 alleles (0.000078%); highest among the groups gnomAD compares: Non-Finnish European, 0.00011%; no homozygotes.

Submission:

Labcorp Genetics (formerly Invitae), Labcorp
Classification: Likely pathogenic for Catecholaminergic polymorphic ventricular tachycardia 1. Last evaluated: 2025-11-23. Review status: criteria provided, single submitter. Criteria: Invitae Variant Classification Sherloc (09022015). Collection method: clinical testing. Allele origin: germline.
Comment: This sequence change replaces glycine, which is neutral and non-polar, with arginine, which is basic and polar, at codon 605 of the RYR2 protein (p.Gly605Arg). This variant is not present in population databases (gnomAD no frequency). This variant has not been reported in the literature in individuals affected with RYR2-related conditions. Invitae Evidence Modeling of protein sequence and biophysical properties (such as structural, functional, and spatial information, amino acid conservation, physicochemical variation, residue mobility, and thermodynamic stability) indicates that this missense variant is expected to disrupt RYR2 protein function with a positive predictive value of 95%. This variant disrupts the p.Gly605 amino acid residue in RYR2. Other variant(s) that disrupt this residue have been determined to be pathogenic (internal data). This suggests that this residue is clinically significant, and that variants that disrupt this residue are likely to be disease-causing. In summary, the currently available evidence indicates that the variant is pathogenic, but additional data are needed to prove that conclusively. Therefore, this variant has been classified as Likely Pathogenic.

NM_001035.3(RYR2):c.1813G>A (p.Gly605Arg)

Gene: RYR2 (ryanodine receptor 2; plus strand). Cytogenetic location: 1q43.
Variant type: single nucleotide variant.
Coding change: c.1813G>A on transcript NM_001035.3 (MANE Select); coding-DNA position 1813, G replaced by A.
Protein change: p.Gly605Arg; replaces glycine 605 with arginine.
Molecular consequence: missense variant.
Genome position (GRCh38, 1-based): chr1:237,491,910, G>A. VCF-style: chr1-237491910-G-A. GRCh37 (hg19) VCF-style: chr1-237655210-G-A.
Other names: short protein forms G605R.
Identifiers: ClinVar variation 4800056 (VCV004800056.1).